The following is an entry in ClinVar:

ClinVar aggregate classification (germline): Uncertain significance. Review status: criteria provided, multiple submitters, no conflicts (2 of 4 stars). 2 submissions from 2 submitters: Uncertain significance (2). Last evaluated 2025-05-18.

Conditions:
Inborn genetic diseases. Identifiers: MedGen C0950123, MeSH D030342.

Allele frequency attached by ClinVar (database versions not stated): gnomAD exomes 0.00001; ExAC 0.00004; gnomAD 0.00005; TOPMed 0.00012.

Submissions (2):

Ambry Genetics
Classification: Uncertain significance for Inborn genetic diseases. Last evaluated: 2025-05-18. Review status: criteria provided, single submitter. Criteria: Ambry Variant Classification Scheme 2023. Collection method: clinical testing. Allele origin: germline.

Labcorp Genetics (formerly Invitae), Labcorp
Classification: Uncertain significance. Last evaluated: 2022-09-01. Review status: criteria provided, single submitter. Criteria: Invitae Variant Classification Sherloc (09022015). Collection method: clinical testing. Allele origin: germline.
Comment: In summary, the available evidence is currently insufficient to determine the role of this variant in disease. Therefore, it has been classified as a Variant of Uncertain Significance. This sequence change replaces arginine, which is basic and polar, with tryptophan, which is neutral and slightly polar, at codon 185 of the CLPP protein (p.Arg185Trp). This variant is present in population databases (rs765186008, gnomAD 0.01%). This variant has not been reported in the literature in individuals affected with CLPP-related conditions. Algorithms developed to predict the effect of missense changes on protein structure and function (SIFT, PolyPhen-2, Align-GVGD) all suggest that this variant is likely to be disruptive.

NM_006012.4(CLPP):c.553C>T (p.Arg185Trp)

Gene: CLPP (caseinolytic mitochondrial matrix peptidase proteolytic subunit; plus strand). Cytogenetic location: 19p13.3.
Variant type: single nucleotide variant.
Coding change: c.553C>T on transcript NM_006012.4 (MANE Select); coding-DNA position 553, C replaced by T.
Protein change: p.Arg185Trp; replaces arginine 185 with tryptophan.
Molecular consequence: missense variant.
Genome position (GRCh38, 1-based): chr19:6,364,637, C>T. VCF-style: chr19-6364637-C-T. GRCh37 (hg19) VCF-style: chr19-6364648-C-T.
Other names: c.553C>T (NM_006012.2); short protein forms R185W.
Identifiers: ClinVar variation 1929972 (VCV001929972.6), dbSNP rs765186008, ClinGen allele CA9122940.
Genomic context (GRCh38, chr19:6,364,637, plus strand): 5'-GGCATGCGCCACTCGCTCCCCAACTCCCGTATCATGATCCACCAGCCCTCAGGAGGCGCC[C>T]GGGTGAGTGCCAGACACGCGAGCTGCTGTTGGGAATCAGGACAGGGTCTAGACAGAAGGA-3'
Protein context (NP_006003.1, residues 175-195): IMIHQPSGGA[Arg185Trp]GQATDIAIQA